The following is an entry in ClinVar:

NM_198578.4(LRRK2):c.6902T>A (p.Met2301Lys)

Gene: LRRK2 (leucine rich repeat kinase 2; plus strand). Cytogenetic location: 12q12.
Variant type: single nucleotide variant.
Coding change: c.6902T>A on transcript NM_198578.4 (MANE Select); coding-DNA position 6902, T replaced by A.
Protein change: p.Met2301Lys; replaces methionine 2301 with lysine.
Molecular consequence: missense variant.
Genome position (GRCh38, 1-based): chr12:40,359,318, T>A. VCF-style: chr12-40359318-T-A. GRCh37 (hg19) VCF-style: chr12-40753120-T-A.
Other names: short protein forms M2301K.
Identifiers: ClinVar variation 3291908 (VCV003291908.1).
Genomic context (GRCh38, chr12:40,359,318, plus strand): 5'-AGCTTAAAGGAGCTGCTCCTTTGAAGATACTAAATATAGGAAATGTCAGTACTCCATTGA[T>A]GTGTTTGAGTGAATCCACAAATTCAACGGAAAGAAATGTAATGTGGGGAGGATGTGGCAC-3'
Protein context (NP_940980.4, residues 2291-2311): LNIGNVSTPL[Met2301Lys]CLSESTNSTE

ClinVar aggregate classification (germline): Uncertain significance (1 of 4 stars; one submission).

Conditions:
Inborn genetic diseases. Identifiers: MedGen C0950123, MeSH D030342.

Submission:

Ambry Genetics
Classification: Uncertain significance for Inborn genetic diseases. Last evaluated: 2024-04-10. Review status: criteria provided, single submitter. Criteria: Ambry Variant Classification Scheme 2023. Collection method: clinical testing. Allele origin: germline.
Comment: The p.M2301K variant (also known as c.6902T>A), located in coding exon 47 of the LRRK2 gene, results from a T to A substitution at nucleotide position 6902. The methionine at codon 2301 is replaced by lysine, an amino acid with similar properties. This amino acid position is conserved. In addition, the in silico prediction for this alteration is inconclusive. Based on the available evidence, the clinical significance of this variant remains unclear.